The following is an entry in ClinVar:

NM_001127208.3(TET2):c.2983A>T (p.Thr995Ser)

Genes: TET2 (tet methylcytosine dioxygenase 2; plus strand), TET2-AS1 (TET2 antisense RNA 1; minus strand). Cytogenetic location: 4q24.
Variant type: single nucleotide variant.
Coding change: c.2983A>T on transcript NM_001127208.3 (MANE Select); coding-DNA position 2983, A replaced by T.
Protein change: p.Thr995Ser; replaces threonine 995 with serine.
Molecular consequence: missense variant.
Genome position (GRCh38, 1-based): chr4:105,236,925, A>T. VCF-style: chr4-105236925-A-T. GRCh37 (hg19) VCF-style: chr4-106158082-A-T.
Other names: c.2983A>T, p.Thr995Ser (NM_017628.4); short protein forms T995S.
Identifiers: ClinVar variation 4865566 (VCV004865566.1).

ClinVar aggregate classification (germline): Uncertain significance (1 of 4 stars; one submission).

Submission:

Ambry Genetics
Classification: Uncertain significance. Last evaluated: 2026-05-04. Review status: criteria provided, single submitter. Criteria: Ambry Variant Classification Scheme 2023. Collection method: clinical testing. Allele origin: germline.
Comment: The p.T995S variant (also known as c.2983A>T), located in coding exon 1 of the TET2 gene, results from an A to T substitution at nucleotide position 2983. The threonine at codon 995 is replaced by serine, an amino acid with similar properties. This amino acid position is conserved. In addition, this alteration is predicted to be tolerated by in silico analysis. Based on the available evidence, the clinical significance of this variant remains unclear.